The following is an entry in ClinVar:

ClinVar aggregate classification (germline): Uncertain significance (1 of 4 stars; one submission).

Conditions:
Lethal multiple pterygium syndrome (LMPS). Identifiers: Orphanet 33108, MedGen C1854678, MONDO:0009668, OMIM 253290.

gnomAD v4.1: 2 of 1,614,224 alleles (0.00012%); highest among the groups gnomAD compares: East Asian, 0.0022%; no homozygotes.

Submission:

Labcorp Genetics (formerly Invitae), Labcorp
Classification: Uncertain significance for Lethal multiple pterygium syndrome. Last evaluated: 2025-01-28. Review status: criteria provided, single submitter. Criteria: Invitae Variant Classification Sherloc (09022015). Collection method: clinical testing. Allele origin: germline.
Comment: This sequence change replaces isoleucine, which is neutral and non-polar, with threonine, which is neutral and polar, at codon 151 of the CHRNA1 protein (p.Ile151Thr). This variant is present in population databases (rs554434466, gnomAD 0.006%). This variant has not been reported in the literature in individuals affected with CHRNA1-related conditions. Invitae Evidence Modeling of protein sequence and biophysical properties (such as structural, functional, and spatial information, amino acid conservation, physicochemical variation, residue mobility, and thermodynamic stability) indicates that this missense variant is not expected to disrupt CHRNA1 protein function with a negative predictive value of 80%. In summary, the available evidence is currently insufficient to determine the role of this variant in disease. Therefore, it has been classified as a Variant of Uncertain Significance.

NM_000079.4(CHRNA1):c.452T>C (p.Ile151Thr)

Gene: CHRNA1 (cholinergic receptor nicotinic alpha 1 subunit; minus strand). Cytogenetic location: 2q31.1.
Variant type: single nucleotide variant.
Coding change: c.452T>C on transcript NM_000079.4 (MANE Select); coding-DNA position 452, T replaced by C.
Protein change: p.Ile151Thr; replaces isoleucine 151 with threonine.
Molecular consequence: missense variant.
Genome position (GRCh38, 1-based): chr2:174,754,307, A>G on the plus strand (T>C on the coding strand, the complement: CHRNA1 is on the minus strand). VCF-style: chr2-174754307-A-G. GRCh37 (hg19) VCF-style: chr2-175619035-A-G.
Other names: c.527T>C, p.Ile176Thr (NM_001039523.3); short protein forms I176T, I151T.
Identifiers: ClinVar variation 3668004 (VCV003668004.2).
Genomic context (GRCh38, chr2:174,754,307, plus strand): 5'-TAGGTCCAGGTGCCCAGCTTCATGCTGCAGTTCTGTTCATCAAAGGGAAAGTGGGTGACG[A>G]TGATCTCACAGTAGCTTTTAAAGATGGCTGGAGGTGTCCACGTGATGTGGCCAGTGTACT-3'
Protein context (NP_000070.1, residues 141-161): PAIFKSYCEI[Ile151Thr]VTHFPFDEQN